The following is an entry in ClinVar:

NM_005045.4(RELN):c.1001G>T (p.Arg334Leu)

Gene: RELN (reelin; minus strand). Cytogenetic location: 7q22.1.
Variant type: single nucleotide variant.
Coding change: c.1001G>T on transcript NM_005045.4 (MANE Select); coding-DNA position 1001, G replaced by T.
Protein change: p.Arg334Leu; replaces arginine 334 with leucine.
Molecular consequence: missense variant.
Genome position (GRCh38, 1-based): chr7:103,697,995, C>A on the plus strand (G>T on the coding strand, the complement: RELN is on the minus strand). VCF-style: chr7-103697995-C-A. GRCh37 (hg19) VCF-style: chr7-103338442-C-A.
Other names: c.1001G>T, p.Arg334Leu (NM_173054.3); short protein forms R334L.
Identifiers: ClinVar variation 1410507 (VCV001410507.8), dbSNP rs146922726, ClinGen allele CA4422384.

ClinVar aggregate classification (germline): Uncertain significance (1 of 4 stars; one submission).

Conditions:
Norman-Roberts syndrome (LIS2). Also called: Lissencephaly 2 (Norman-Roberts type). Identifiers: Orphanet 89844, MedGen C0796089, MONDO:0009760, OMIM 257320.
Familial temporal lobe epilepsy 7. Identifiers: Orphanet 101046, MedGen C4225327, MONDO:0014639, OMIM 616436.

gnomAD v4.1: 5 of 1,613,774 alleles (0.00031%); highest among the groups gnomAD compares: Non-Finnish European, 0.00042%; no homozygotes.

Submission:

Labcorp Genetics (formerly Invitae), Labcorp
Classification: Uncertain significance for Familial temporal lobe epilepsy 7; Norman-Roberts syndrome. Last evaluated: 2023-03-03. Review status: criteria provided, single submitter. Criteria: Invitae Variant Classification Sherloc (09022015). Collection method: clinical testing. Allele origin: germline.
Comment: This sequence change replaces arginine, which is basic and polar, with leucine, which is neutral and non-polar, at codon 334 of the RELN protein (p.Arg334Leu). This variant is present in population databases (rs146922726, gnomAD 0.002%). This variant has not been reported in the literature in individuals affected with RELN-related conditions. ClinVar contains an entry for this variant (Variation ID: 1410507). Advanced modeling of protein sequence and biophysical properties (such as structural, functional, and spatial information, amino acid conservation, physicochemical variation, residue mobility, and thermodynamic stability) performed at Invitae indicates that this missense variant is not expected to disrupt RELN protein function. In summary, the available evidence is currently insufficient to determine the role of this variant in disease. Therefore, it has been classified as a Variant of Uncertain Significance.